The following is an entry in ClinVar:

NM_000306.4(POU1F1):c.252C>T (p.His84=)

Gene: POU1F1 (POU class 1 homeobox 1; minus strand). Cytogenetic location: 3p11.2.
Variant type: single nucleotide variant.
Coding change: c.252C>T on transcript NM_000306.4 (MANE Select); coding-DNA position 252, C replaced by T.
Protein change: p.His84=; no amino-acid change (histidine 84 retained).
Molecular consequence: synonymous variant.
Genome position (GRCh38, 1-based): chr3:87,264,475, G>A on the plus strand (C>T on the coding strand, the complement: POU1F1 is on the minus strand). VCF-style: chr3-87264475-G-A. GRCh37 (hg19) VCF-style: chr3-87313625-G-A.
Other names: c.330C>T, p.His110= (NM_001122757.3).
Identifiers: ClinVar variation 597988 (VCV000597988.25), dbSNP rs4988460, ClinGen allele CA2501237.

ClinVar aggregate classification (germline): Conflicting classifications of pathogenicity. Review status: criteria provided, conflicting classifications (1 of 4 stars). 4 submissions from 4 submitters: Uncertain significance (2); Likely benign (2). Last evaluated 2026-01-28.

Conditions:
Pituitary hormone deficiency, combined, 1 (CPHD1). Also called: Pituitary hormone deficiency, combined or isolated, 1. Identifiers: MedGen C2751608, MONDO:0024464, OMIM 613038.

Allele frequency attached by ClinVar (database versions not stated): 1000 Genomes Project 0.00080; gnomAD exomes 0.00086 and 0.00100; ExAC 0.00087; ESP Exome Variant Server 0.00092; 1000 Genomes Project 30x 0.00094; gnomAD 0.00095 and 0.00098; TOPMed 0.00099.
gnomAD v4.1: 1,603 of 1,612,438 alleles (0.099%); highest among the groups gnomAD compares: Admixed American, 0.13%; 3 homozygotes.

Submissions (4):

Labcorp Genetics (formerly Invitae), Labcorp
Classification: Likely benign. Last evaluated: 2026-01-28. Review status: criteria provided, single submitter. Criteria: Invitae Variant Classification Sherloc (09022015). Collection method: clinical testing. Allele origin: germline.

CeGaT Center for Human Genetics Tuebingen
Classification: Likely benign. Last evaluated: 2025-07-01. Review status: criteria provided, single submitter. Criteria: CeGaT Center For Human Genetics Tuebingen Variant Classification Criteria Version 2. Collection method: clinical testing. Allele origin: germline. Affected: yes. Observed: 1 variant allele.
Comment: POU1F1: BP4, BP7

Eurofins Ntd Llc (ga)
Classification: Uncertain significance. Last evaluated: 2018-07-25. Review status: criteria provided, single submitter. Criteria: EGL ClinVar v180209 classification definitions. Collection method: clinical testing. Allele origin: germline. Observed: 1 variant allele, 1 heterozygote.

Illumina Laboratory Services, Illumina
Classification: Uncertain significance for Pituitary hormone deficiency, combined, 1. Last evaluated: 2017-04-28. Review status: criteria provided, single submitter. Criteria: ICSL Variant Classification Criteria 13 December 2019. Collection method: clinical testing. Allele origin: germline.